The following is an entry in ClinVar:

NM_153240.5(NPHP3):c.3139G>C (p.Glu1047Gln)

Genes: NPHP3 (nephrocystin 3; minus strand), NPHP3-ACAD11 (NPHP3-ACAD11 readthrough (NMD candidate); minus strand). Cytogenetic location: 3q22.1.
Variant type: single nucleotide variant.
Coding change: c.3139G>C on transcript NM_153240.5 (MANE Select); coding-DNA position 3139, G replaced by C.
Protein change: p.Glu1047Gln; replaces glutamic acid 1047 with glutamine.
Molecular consequence: missense variant. On other transcripts: non-coding transcript variant (1).
Genome position (GRCh38, 1-based): chr3:132,687,213, C>G on the plus strand (G>C on the coding strand, the complement: NPHP3 is on the minus strand). VCF-style: chr3-132687213-C-G. GRCh37 (hg19) VCF-style: chr3-132406057-C-G.
Other names: short protein forms E1047Q.
Identifiers: ClinVar variation 1047549 (VCV001047549.8), dbSNP rs1306519589, ClinGen allele CA354579684.
Genomic context (GRCh38, chr3:132,687,213, plus strand): 5'-AGTTGCCTTTTTTCTTTATAGCTTTCTGATGAATTTTAAAGGATTTTTTCCTAAAATGTT[C>G]AGCTTGTTCATATCTTAAAAAAAAATTACAGTAAGTCAAACAAAAGAAACATATTCAAAG-3'
Protein context (NP_694972.3, residues 1037-1057): YQKQNKYEQA[Glu1047Gln]HFRKKSFKIH

ClinVar aggregate classification (germline): Uncertain significance (1 of 4 stars; one submission).

Conditions:
Nephronophthisis. Also called: Juvenile Nephronophthisis. Identifiers: Orphanet 655, MedGen C0687120, MONDO:0019005, HP:0000090.

Submission:

Labcorp Genetics (formerly Invitae), Labcorp
Classification: Uncertain significance for Nephronophthisis. Last evaluated: 2020-10-09. Review status: criteria provided, single submitter. Criteria: Invitae Variant Classification Sherloc (09022015). Collection method: clinical testing. Allele origin: germline.
Comment: Algorithms developed to predict the effect of missense changes on protein structure and function are either unavailable or do not agree on the potential impact of this missense change (SIFT: "Deleterious"; PolyPhen-2: "Probably Damaging"; Align-GVGD: "Class C0"). In summary, the available evidence is currently insufficient to determine the role of this variant in disease. Therefore, it has been classified as a Variant of Uncertain Significance. This sequence change replaces glutamic acid with glutamine at codon 1047 of the NPHP3 protein (p.Glu1047Gln). The glutamic acid residue is highly conserved and there is a small physicochemical difference between glutamic acid and glutamine. This variant is not present in population databases (ExAC no frequency). This variant has not been reported in the literature in individuals with NPHP3-related conditions.